The following is an entry in ClinVar:

ClinVar aggregate classification (germline): Likely benign. Review status: criteria provided, multiple submitters, no conflicts (2 of 4 stars). 2 submissions from 2 submitters: Likely benign (2). Last evaluated 2026-03-01.

Allele frequency attached by ClinVar (database versions not stated): ExAC 0.00001; gnomAD 0.00001; gnomAD exomes 0.00001.
gnomAD v4.1: 13 of 1,614,004 alleles (0.00081%); highest among the groups gnomAD compares: Non-Finnish European, 0.001%; no homozygotes.

Submissions (2):

CeGaT Center for Human Genetics Tuebingen
Classification: Likely benign. Last evaluated: 2026-03-01. Review status: criteria provided, single submitter. Criteria: CeGaT Center For Human Genetics Tuebingen Variant Classification Criteria Version 2. Collection method: clinical testing. Allele origin: germline. Affected: yes. Observed: 1 variant allele.
Comment: SON: BP4, BS1

Labcorp Genetics (formerly Invitae), Labcorp
Classification: Likely benign. Last evaluated: 2025-03-17. Review status: criteria provided, single submitter. Criteria: Invitae Variant Classification Sherloc (09022015). Collection method: clinical testing. Allele origin: germline.

NM_138927.4(SON):c.4010C>T (p.Pro1337Leu)

Gene: SON (SON DNA and RNA binding protein; plus strand). Cytogenetic location: 21q22.11.
Variant type: single nucleotide variant.
Coding change: c.4010C>T on transcript NM_138927.4 (MANE Select); coding-DNA position 4010, C replaced by T.
Protein change: p.Pro1337Leu; replaces proline 1337 with leucine.
Molecular consequence: missense variant. On other transcripts: non-coding transcript variant (1), intron variant (1).
Genome position (GRCh38, 1-based): chr21:33,553,241, C>T. VCF-style: chr21-33553241-C-T. GRCh37 (hg19) VCF-style: chr21-34925547-C-T.
Other names: c.4010C>T, p.Pro1337Leu (NM_001291411.2, NM_001412133.1, NM_032195.3 and 2 more transcripts); c.245-3915C>T (NM_001291412.3); short protein forms P1337L.
Identifiers: ClinVar variation 2185924 (VCV002185924.8), dbSNP rs746789348, ClinGen allele CA10009422.